The following is an entry in ClinVar:

Single allele

Genes: PDK2 (pyruvate dehydrogenase kinase 2; plus strand), PPP1R9B (protein phosphatase 1 regulatory subunit 9B; minus strand), SAMD14 (sterile alpha motif domain containing 14; minus strand), SGCA (sarcoglycan alpha; plus strand), COL1A1 (collagen type I alpha 1 chain; minus strand) and 1 more. Cytogenetic location: 17q21.33.
Variant type: Deletion.
Identifiers: ClinVar variation 425666 (VCV000425666.1).

ClinVar aggregate classification (germline): Pathogenic (0 of 4 stars; one submission).

Conditions:
Osteogenesis imperfecta type I (OI1). Also called: Lobstein's Disease; Lobstein disease; Osteogenesis imperfecta type 1; OI, TYPE I; OSTEOGENESIS IMPERFECTA TARDA; OSTEOGENESIS IMPERFECTA WITH BLUE SCLERAE. Identifiers: Orphanet 216796, Orphanet 666, MedGen C0023931, MONDO:0008146, OMIM 166200. Disease mechanism: loss of function.

Submission:

Department of Medical Sciences, Uppsala University
Classification: Pathogenic for OI type I. Review status: no assertion criteria provided. Collection method: clinical testing. Allele origin: unknown. Affected: yes. Observed: 1 variant allele.
Comment: Deletion of COL1A1

Literature cited by the submitters: PubMed 25944380.